The following is an entry in ClinVar:

ClinVar aggregate classification (germline): Pathogenic (1 of 4 stars; one submission).

Conditions:
Hereditary cancer-predisposing syndrome. Also called: Hereditary Cancer Syndrome; Tumor predisposition; Hereditary neoplastic syndrome; Neoplastic Syndromes, Hereditary. Identifiers: Orphanet 140162, MedGen C0027672, MeSH D009386, MONDO:0015356.

Submission:

Ambry Genetics
Classification: Pathogenic for Hereditary cancer-predisposing syndrome. Last evaluated: 2024-05-07. Review status: criteria provided, single submitter. Criteria: Ambry Variant Classification Scheme 2023. Collection method: clinical testing. Allele origin: germline.
Comment: The c.3610delG pathogenic mutation, located in coding exon 10 of the BRCA2 gene, results from a deletion of one nucleotide at nucleotide position 3610, causing a translational frameshift with a predicted alternate stop codon (p.A1204Lfs*5). This variant is considered to be rare based on population cohorts in the Genome Aggregation Database (gnomAD). This alteration is expected to result in loss of function by premature protein truncation or nonsense-mediated mRNA decay. As such, this alteration is interpreted as a disease-causing mutation.

NM_000059.4(BRCA2):c.3610del (p.Ala1204fs)

Gene: BRCA2 (BRCA2 DNA repair associated; plus strand). Cytogenetic location: 13q13.1.
Variant type: Deletion.
Coding change: c.3610del on transcript NM_000059.4 (MANE Select); coding-DNA position 3610, one base deleted (G; older notation c.3610delG).
Protein change: p.Ala1204fs; shifts the reading frame from alanine 1204.
Molecular consequence: frameshift variant. On other transcripts: non-coding transcript variant (1), intron variant (2).
Genome position (GRCh38, 1-based): chr13:32,337,965, G deleted. VCF-style (leftmost placement, unchanged base first): chr13-32337964-TG-T. GRCh37 (hg19) VCF-style: chr13-32912101-TG-T.
Other names: c.3610del, p.Ala1204fs (NM_001406719.1, NM_001406720.1); c.1909+4578del (NM_001406721.1); c.425-6593del (NM_001406722.1); short protein forms A1204fs.
Identifiers: ClinVar variation 3261597 (VCV003261597.1).